The following is an entry in ClinVar:

NM_000384.3(APOB):c.8599C>T (p.Leu2867=)

Gene: APOB (apolipoprotein B; minus strand). Cytogenetic location: 2p24.1.
Variant type: single nucleotide variant.
Coding change: c.8599C>T on transcript NM_000384.3 (MANE Select); coding-DNA position 8599, C replaced by T.
Protein change: p.Leu2867=; no amino-acid change (leucine 2867 retained).
Molecular consequence: synonymous variant.
Genome position (GRCh38, 1-based): chr2:21,008,269, G>A on the plus strand (C>T on the coding strand, the complement: APOB is on the minus strand). VCF-style: chr2-21008269-G-A. GRCh37 (hg19) VCF-style: chr2-21231141-G-A.
Identifiers: ClinVar variation 697765 (VCV000697765.21), dbSNP rs149430596, ClinGen allele CA065831.
Genomic context (GRCh38, chr2:21,008,269, plus strand): 5'-TGTTGCTATCCAGGGTAAGCTGATTGTTTATCTTGACAATCACTCCATTACTAAGCTCCA[G>A]TGTATTTTTTTCTGTGTGTAAACTTGCCACTGTGTTTGATTTTCCCTCAATAGCATTTCC-3'
Protein context (NP_000375.3, residues 2857-2877): VASLHTEKNT[Leu2867=]ELSNGVIVKI

ClinVar aggregate classification (germline): Likely benign. Review status: criteria provided, multiple submitters, no conflicts (2 of 4 stars). 4 submissions from 4 submitters: Likely benign (3). 1 of the submissions does not count toward it. Last evaluated 2026-02-04.

Conditions:
Cardiovascular phenotype. Identifiers: MedGen CN230736.
Hypercholesterolemia, autosomal dominant, type B (FHCL2). Also called: Familial Hypercholesterolemia Type B; APOB-Related Familial Hypercholesterolemia, Autosomal Dominant; Hyperlipoproteinemia Type IIb; APOLIPOPROTEIN B-100, FAMILIAL DEFECTIVE; APOLIPOPROTEIN B-100, FAMILIAL LIGAND-DEFECTIVE; Familial hypercholesterolemia 2. Identifiers: MedGen C1704417, MONDO:0007751, OMIM 144010.
Familial hypobetalipoproteinemia 1. Also called: APOB-Related Familial Hypobetalipoproteinemia; Hypobetalipoproteinemia, normotriglyceridemic; Acanthocytosis with hypobetalipoproteinemia. Identifiers: MedGen C4551990, MONDO:0014252, OMIM 615558.
Familial hypercholesterolemia. Also called: Familial hypercholesterolemias; Familial hypercholesterolaemia. Identifiers: MedGen C0020445, MONDO:0005439.
APOB-related disorder. Also called: APOB-related disorders; APOB-related condition.

Allele frequency attached by ClinVar (database versions not stated): ESP Exome Variant Server 0.00008; TOPMed 0.00010; ExAC 0.00001; gnomAD exomes 0.00001 and 0.00005; gnomAD 0.00006.
gnomAD v4.1: 82 of 1,613,874 alleles (0.0051%); highest among the groups gnomAD compares: Non-Finnish European, 0.0061%; no homozygotes.

Submissions (4):

Labcorp Genetics (formerly Invitae), Labcorp
Classification: Likely benign for Familial hypobetalipoproteinemia 1; Hypercholesterolemia, autosomal dominant, type B. Last evaluated: 2026-02-04. Review status: criteria provided, single submitter. Criteria: Invitae Variant Classification Sherloc (09022015). Collection method: clinical testing. Allele origin: germline.

GENinCode PLC
Classification: Likely benign for Familial hypercholesterolemia. Last evaluated: 2023-12-05. Review status: criteria provided, single submitter. Criteria: ACMG Guidelines, 2015. Collection method: clinical testing. Allele origin: germline.
Comment: This is a synonymous (silent) variant that is not predicted by SpliceAI to impact splicing. In addition, it occurs at a nucleotide that is not conserved. Therefore this variant has been classified as Likely Benign (BP4, BP7).

Ambry Genetics
Classification: Likely benign for Cardiovascular phenotype. Last evaluated: 2019-10-03. Review status: criteria provided, single submitter. Criteria: Ambry Variant Classification Scheme 2023. Collection method: clinical testing. Allele origin: germline.

PreventionGenetics, part of Exact Sciences
Classification: Likely benign for APOB-related condition. Last evaluated: 2022-06-21. Review status: no assertion criteria provided. Collection method: clinical testing. Allele origin: germline. Not counted in ClinVar's aggregate classification.
Comment: This variant is classified as likely benign based on ACMG/AMP sequence variant interpretation guidelines (Richards et al. 2015 PMID: 25741868, with internal and published modifications).